The following is an entry in ClinVar:

ClinVar aggregate classification (germline): Uncertain significance. Review status: criteria provided, multiple submitters, no conflicts (2 of 4 stars). 3 submissions from 3 submitters: Uncertain significance (3). Last evaluated 2025-09-22.

Conditions:
SLC25A13-related disorder. Also called: SLC25A13-related condition.
Inborn genetic diseases. Identifiers: MedGen C0950123, MeSH D030342.
Citrullinemia type II. Also called: Citrullinemia Type II (CTLN2). Identifiers: Orphanet 247585, MedGen C1863844, MONDO:0016603.

Allele frequency attached by ClinVar (database versions not stated): gnomAD exomes 0.00003 and 0.00012; ExAC 0.00004; TOPMed 0.00004; gnomAD 0.00007; ESP Exome Variant Server 0.00015.
gnomAD v4.1: 181 of 1,613,690 alleles (0.011%); highest among the groups gnomAD compares: Non-Finnish European, 0.015%; no homozygotes.

Submissions (3):

PreventionGenetics, part of Exact Sciences
Classification: Uncertain significance for SLC25A13-related condition. Last evaluated: 2025-09-22. Review status: criteria provided, single submitter. Criteria: ACMG Guidelines, 2015. Collection method: clinical testing. Allele origin: germline.
Comment: The SLC25A13 c.1393G>T variant is predicted to result in the amino acid substitution p.Gly465Cys. To our knowledge, this variant has not been reported in the literature. This variant is reported in 0.0085% of alleles in individuals of European (Non-Finnish) descent in gnomAD. At this time, the clinical significance of this variant is uncertain due to the absence of conclusive functional and genetic evidence.

Ambry Genetics
Classification: Uncertain significance for Inborn genetic diseases. Last evaluated: 2024-07-02. Review status: criteria provided, single submitter. Criteria: Ambry Variant Classification Scheme 2023. Collection method: clinical testing. Allele origin: germline.

Illumina Laboratory Services, Illumina
Classification: Uncertain significance for Citrullinemia, type II, adult-onset. Last evaluated: 2018-01-13. Review status: criteria provided, single submitter. Criteria: ICSL Variant Classification Criteria 13 December 2019. Collection method: clinical testing. Allele origin: germline.

NM_014251.3(SLC25A13):c.1393G>T (p.Gly465Cys)

Gene: SLC25A13 (solute carrier family 25 member 13; minus strand). Cytogenetic location: 7q21.3.
Variant type: single nucleotide variant.
Coding change: c.1393G>T on transcript NM_014251.3 (MANE Select); coding-DNA position 1393, G replaced by T.
Protein change: p.Gly465Cys; replaces glycine 465 with cysteine.
Molecular consequence: missense variant. On other transcripts: non-coding transcript variant (1).
Genome position (GRCh38, 1-based): chr7:96,146,615, C>A on the plus strand (G>T on the coding strand, the complement: SLC25A13 is on the minus strand). VCF-style: chr7-96146615-C-A. GRCh37 (hg19) VCF-style: chr7-95775927-C-A.
Other names: c.1396G>T, p.Gly466Cys (NM_001160210.2); short protein forms G465C, G466C.
Identifiers: ClinVar variation 361014 (VCV000361014.9), dbSNP rs372216502, ClinGen allele CA4352941.